The following is an entry in ClinVar:

NM_032242.4(PLXNA1):c.2619G>A (p.Thr873=)

Gene: PLXNA1 (plexin A1; plus strand). Cytogenetic location: 3q21.3.
Variant type: single nucleotide variant.
Coding change: c.2619G>A on transcript NM_032242.4 (MANE Select); coding-DNA position 2619, G replaced by A.
Protein change: p.Thr873=; no amino-acid change (threonine 873 retained).
Molecular consequence: synonymous variant.
Genome position (GRCh38, 1-based): chr3:127,014,492, G>A. VCF-style: chr3-127014492-G-A. GRCh37 (hg19) VCF-style: chr3-126733335-G-A.
Identifiers: ClinVar variation 3350909 (VCV003350909.1).

ClinVar aggregate classification (germline): Likely benign (0 of 4 stars; one submission).

Conditions:
PLXNA1-related disorder. Also called: PLXNA1-related condition.

gnomAD v4.1: 37 of 1,604,168 alleles (0.0023%); highest among the groups gnomAD compares: Middle Eastern, 0.016%; no homozygotes.

Submission:

PreventionGenetics, part of Exact Sciences
Classification: Likely benign for PLXNA1-related condition. Last evaluated: 2023-03-23. Review status: no assertion criteria provided. Collection method: clinical testing. Allele origin: germline.
Comment: This variant is classified as likely benign based on ACMG/AMP sequence variant interpretation guidelines (Richards et al. 2015 PMID: 25741868, with internal and published modifications).